The following is an entry in ClinVar:

ClinVar aggregate classification (germline): Likely pathogenic. Review status: criteria provided, multiple submitters, no conflicts (2 of 4 stars). 3 submissions from 3 submitters: Likely pathogenic (3). Last evaluated 2024-10-04.

Conditions:
Very long chain acyl-CoA dehydrogenase deficiency (ACADVLD). Also called: Very Long-Chain Acyl-Coenzyme A Dehydrogenase Deficiency; VLCAD Deficiency. Identifiers: Orphanet 26793, MedGen C3887523, MONDO:0008723, OMIM 201475.

Submissions (3):

Women's Health and Genetics/Laboratory Corporation of America, LabCorp
Classification: Likely pathogenic for Very long chain acyl-CoA dehydrogenase deficiency. Last evaluated: 2024-10-04. Review status: criteria provided, single submitter. Criteria: LabCorp Variant Classification Summary - May 2015. Collection method: clinical testing. Allele origin: germline.
Comment: Variant summary: ACADVL c.1751+1G>A is located in a canonical splice-site and is predicted to affect mRNA splicing resulting in a significantly altered protein due to either exon skipping, shortening, or inclusion of intronic material. Variants that disrupt the consensus splice site are a relatively common cause of aberrant splicing and loss of ACADVL function. Several computational tools predict a significant impact on normal splicing: Four predict the variant abolishes a 5' splicing donor site. However, these predictions have yet to be confirmed by functional studies. The variant was absent in 228528 control chromosomes. c.1751+1G>A has been reported in the literature in a compound heterozygous individual affected with Very Long Chain Acyl-CoA Dehydrogenase Deficiency (Chien_2013). These report(s) do not provide unequivocal conclusions about association of the variant with Very Long Chain Acyl-CoA Dehydrogenase Deficiency. To our knowledge, no experimental evidence demonstrating an impact on protein function has been reported. The following publication have been ascertained in the context of this evaluation (PMID: 23700290). ClinVar contains an entry for this variant (Variation ID: 623375). Based on the evidence outlined above, the variant was classified as likely pathogenic.

Labcorp Genetics (formerly Invitae), Labcorp
Classification: Likely pathogenic for Very long chain acyl-CoA dehydrogenase deficiency. Last evaluated: 2022-07-06. Review status: criteria provided, single submitter. Criteria: Invitae Variant Classification Sherloc (09022015). Collection method: clinical testing. Allele origin: germline.
Comment: In summary, the currently available evidence indicates that the variant is pathogenic, but additional data are needed to prove that conclusively. Therefore, this variant has been classified as Likely Pathogenic. Algorithms developed to predict the effect of sequence changes on RNA splicing suggest that this variant may disrupt the consensus splice site. ClinVar contains an entry for this variant (Variation ID: 623375). Disruption of this splice site has been observed in individual(s) with a positive newborn screening result for ACADVL-related disease (PMID: 23700290). This variant is not present in population databases (gnomAD no frequency). This sequence change affects a donor splice site in intron 18 of the ACADVL gene. It is expected to disrupt RNA splicing. Variants that disrupt the donor or acceptor splice site typically lead to a loss of protein function (PMID: 16199547), and loss-of-function variants in ACADVL are known to be pathogenic (PMID: 9973285, 11590124).

Department of Genetics, Sultan Qaboos University Hospital
Classification: Likely pathogenic for Very long chain acyl-CoA dehydrogenase deficiency. Last evaluated: 2017-12-30. Review status: criteria provided, single submitter. Criteria: ACMG Guidelines, 2015. Collection method: curation. Allele origin: unknown. Affected: yes.

Literature cited by the submitters: PubMed 23700290 (cited by Women's Health and Genetics/Laboratory Corporation of America, LabCorp and Labcorp Genetics (formerly Invitae), Labcorp); PubMed 16199547 (cited by Labcorp Genetics (formerly Invitae), Labcorp); PubMed 9973285 (cited by Labcorp Genetics (formerly Invitae), Labcorp); PubMed 11590124 (cited by Labcorp Genetics (formerly Invitae), Labcorp).

NM_000018.4(ACADVL):c.1751+1G>A

Gene: ACADVL (acyl-CoA dehydrogenase very long chain; plus strand). Cytogenetic location: 17p13.1.
Variant type: single nucleotide variant.
Coding change: c.1751+1G>A on transcript NM_000018.4 (MANE Select); the canonical splice donor site of the intron after coding-DNA position 1751, G replaced by A.
Molecular consequence: splice donor variant.
Genome position (GRCh38, 1-based): chr17:7,224,715, G>A. VCF-style: chr17-7224715-G-A. GRCh37 (hg19) VCF-style: chr17-7128034-G-A.
Other names: c.1820+1G>A (NM_001270447.2); c.1523+1G>A (NM_001270448.2); c.1685+1G>A (NM_001033859.3).
Identifiers: ClinVar variation 623375 (VCV000623375.7), dbSNP rs1567569262, ClinGen allele CA397725795.